The following is an entry in ClinVar:

ClinVar aggregate classification (germline): Pathogenic (1 of 4 stars; one submission).

Conditions:
Basal cell nevus syndrome 1 (BCNS1). Also called: GORLIN-GOLTZ SYNDROME; MULTIPLE BASAL CELL NEVI, ODONTOGENIC KERATOCYSTS, AND SKELETAL ANOMALIES. Identifiers: MedGen CN376810, MONDO:0958174, OMIM 109400.

Submission:

Juno Genomics, Hangzhou Juno Genomics, Inc
Classification: Pathogenic for Basal cell nevus syndrome 1. Review status: criteria provided, single submitter. Criteria: ACMG Guidelines, 2015. Collection method: clinical testing. Allele origin: germline. Affected: yes.
Comment: Absent from controls (or at extremely low frequency if recessive) in Genome Aggregation Database, Exome Sequencing Project, 1000 Genomes Project, or Exome Aggregation Consortium.;Null variant in a gene where loss of function (LOF) is a known mechanism of disease.;Patient's phenotype or family history is highly specific for a disease with a single genetic etiology.

NM_000264.5(PTCH1):c.3321_3330del (p.Ile1108fs)

Gene: PTCH1 (patched 1; minus strand). Cytogenetic location: 9q22.32.
Variant type: Deletion.
Coding change: c.3321_3330del on transcript NM_000264.5 (MANE Select); coding-DNA positions 3321 to 3330, 10 bases deleted (CATCGGCGAC; older notation c.3321_3330delCATCGGCGAC).
Protein change: p.Ile1108fs; shifts the reading frame from isoleucine 1108.
Molecular consequence: frameshift variant. On other transcripts: non-coding transcript variant (1).
Genome position (GRCh38, 1-based): chr9:95,453,597-95,453,606, GTCGCCGATG deleted on the plus strand (CATCGGCGAC on the coding strand, the reverse complement: PTCH1 is on the minus strand); deleting any 10 consecutive bases within chr9:95,453,597-95,453,607 gives the same sequence; the c. name uses the placement nearest the transcript's 3' end. VCF-style (leftmost placement, unchanged base first): chr9-95453596-TGTCGCCGATG-T. GRCh37 (hg19) VCF-style: chr9-98215878-TGTCGCCGATG-T.
Other names: c.3123_3132del, p.Ile1042fs (NM_001083602.3); c.3318_3327del, p.Ile1107fs (NM_001083603.3); c.2868_2877del, p.Ile957fs (NM_001083604.3, NM_001083605.3, NM_001083606.3 and 1 more transcripts); c.3165_3174del, p.Ile1056fs (NM_001354918.2); short protein forms I1042fs, I1056fs, I1107fs, I1108fs, I957fs.
Identifiers: ClinVar variation 3382580 (VCV003382580.2).
Genomic context (GRCh38, chr9:95,453,596, plus strand): 5'-CGGCGCCATCCAGGACGGGTGCAAACATGTGCTCCAGGGCAAGCACAGCCCTGCGGTTCT[TGTCGCCGATG>T]GCCGTCAGAAAGGCCTGTGCAATGAGGATGTTCACAAGATCAGGTTGCTGGACTTCACCT-3'